The following is an entry in ClinVar:

ClinVar aggregate classification (germline): Pathogenic (1 of 4 stars; one submission).

Submission:

Labcorp Genetics (formerly Invitae), Labcorp
Classification: Pathogenic. Last evaluated: 2023-08-17. Review status: criteria provided, single submitter. Criteria: Invitae Variant Classification Sherloc (09022015). Collection method: clinical testing. Allele origin: germline.
Comment: For these reasons, this variant has been classified as Pathogenic. This variant disrupts a region of the LCA5 protein in which other variant(s) (p.Lys586*) have been determined to be pathogenic (PMID: 23946133, 27624628). This suggests that this is a clinically significant region of the protein, and that variants that disrupt it are likely to be disease-causing. ClinVar contains an entry for this variant (Variation ID: 855833). This variant has not been reported in the literature in individuals affected with LCA5-related conditions. This variant is not present in population databases (gnomAD no frequency). This sequence change creates a premature translational stop signal (p.Tyr486*) in the LCA5 gene. While this is not anticipated to result in nonsense mediated decay, it is expected to disrupt the last 212 amino acid(s) of the LCA5 protein.

Literature cited by the submitters: PubMed 23946133; PubMed 27624628.

NM_001122769.3(LCA5):c.1458C>A (p.Tyr486Ter)

Gene: LCA5 (lebercilin LCA5; minus strand). Cytogenetic location: 6q14.1.
Variant type: single nucleotide variant.
Coding change: c.1458C>A on transcript NM_001122769.3 (MANE Select); coding-DNA position 1458, C replaced by A.
Protein change: p.Tyr486Ter; replaces tyrosine 486 with a stop codon.
Molecular consequence: nonsense.
Genome position (GRCh38, 1-based): chr6:79,487,640, G>T on the plus strand (C>A on the coding strand, the complement: LCA5 is on the minus strand). VCF-style: chr6-79487640-G-T. GRCh37 (hg19) VCF-style: chr6-80197357-G-T.
Other names: c.1458C>A, p.Tyr486Ter (NM_181714.4); short protein forms Y486*.
Identifiers: ClinVar variation 855833 (VCV000855833.9), dbSNP rs1769707423, ClinGen allele CA364640740.